The following is an entry in ClinVar:

ClinVar aggregate classification (germline): Uncertain significance. Review status: criteria provided, multiple submitters, no conflicts (2 of 4 stars). 4 submissions from 4 submitters: Uncertain significance (4). Last evaluated 2024-12-01.

Conditions:
Inborn genetic diseases. Identifiers: MedGen C0950123, MeSH D030342.

Allele frequency attached by ClinVar (database versions not stated): gnomAD exomes 0.00002 and 0.00003; TOPMed 0.00002; gnomAD 0.00003 and 0.00004; ExAC 0.00004; ESP Exome Variant Server 0.00008.

Submissions (4):

CeGaT Center for Human Genetics Tuebingen
Classification: Uncertain significance. Last evaluated: 2024-12-01. Review status: criteria provided, single submitter. Criteria: CeGaT Center For Human Genetics Tuebingen Variant Classification Criteria Version 2. Collection method: clinical testing. Allele origin: germline. Affected: yes. Observed: 2 variant alleles.
Comment: SLC25A38: PM2, PM3:Supporting

Blueprint Genetics
Classification: Uncertain significance. Last evaluated: 2024-10-21. Review status: criteria provided, single submitter. Criteria: ACMG Guidelines, 2015. Collection method: clinical testing. Allele origin: germline.

Ambry Genetics
Classification: Uncertain significance for Inborn genetic diseases. Last evaluated: 2023-08-22. Review status: criteria provided, single submitter. Criteria: Ambry Variant Classification Scheme 2023. Collection method: clinical testing. Allele origin: germline.

Labcorp Genetics (formerly Invitae), Labcorp
Classification: Uncertain significance. Last evaluated: 2022-07-25. Review status: criteria provided, single submitter. Criteria: Invitae Variant Classification Sherloc (09022015). Collection method: clinical testing. Allele origin: germline.
Comment: This sequence change replaces proline, which is neutral and non-polar, with serine, which is neutral and polar, at codon 92 of the SLC25A38 protein (p.Pro92Ser). This variant is present in population databases (rs372038100, gnomAD 0.005%). This variant has not been reported in the literature in individuals affected with SLC25A38-related conditions. ClinVar contains an entry for this variant (Variation ID: 1483436). Algorithms developed to predict the effect of missense changes on protein structure and function are either unavailable or do not agree on the potential impact of this missense change (SIFT: "Deleterious"; PolyPhen-2: "Probably Damaging"; Align-GVGD: "Class C0"). In summary, the available evidence is currently insufficient to determine the role of this variant in disease. Therefore, it has been classified as a Variant of Uncertain Significance.

NM_017875.4(SLC25A38):c.274C>T (p.Pro92Ser)

Gene: SLC25A38 (solute carrier family 25 member 38; plus strand). Cytogenetic location: 3p22.1.
Variant type: single nucleotide variant.
Coding change: c.274C>T on transcript NM_017875.4 (MANE Select); coding-DNA position 274, C replaced by T.
Protein change: p.Pro92Ser; replaces proline 92 with serine.
Molecular consequence: missense variant.
Genome position (GRCh38, 1-based): chr3:39,390,505, C>T. VCF-style: chr3-39390505-C-T. GRCh37 (hg19) VCF-style: chr3-39431996-C-T.
Other names: c.274C>T, p.Pro92Ser (NM_001354798.2); c.274C>T (NM_017875.2); short protein forms P92S.
Identifiers: ClinVar variation 1483436 (VCV001483436.39), dbSNP rs372038100, ClinGen allele CA2327403.